The following is an entry in ClinVar:

ClinVar aggregate classification (germline): Likely pathogenic (1 of 4 stars; one submission).

Conditions:
Kleefstra syndrome 1 (KLEFS1). Identifiers: Orphanet 261494, MedGen C0795833, MONDO:0027407, OMIM 610253.

Submission:

Lifecell International Pvt. Ltd
Classification: Likely pathogenic for Kleefstra syndrome 1. Review status: criteria provided, single submitter. Criteria: ACMG Guidelines, 2015. Collection method: clinical testing. Allele origin: germline. Inheritance: Autosomal dominant inheritance. Affected: yes. Observed: 1 heterozygote.
Comment: A Heterozygous Splice site donor variant c.3461+1G>C in Exon 24 of the EHMT1 gene that results in the amino acid substitution was identified. The observed variant is novel in gnomAD exomes and genomes, respectively. The severity of the impact of this variant on the protein is high, based on the effect of the protein and REVEL score . Rare Exome Variant Ensemble Learner (REVEL) is an ensembl method for predicting the pathogenicity of missense variants based on a combination of scores from 13 individual tools: MutPred, FATHMM v2.3, VEST 3.0, PolyPhen-2, SIFT, PROVEAN, MutationAssessor, MutationTaster, LRT, GERP++, SiPhy, phyloP, and phastCons. The REVEL score for an individual missense variant can range from 0 to 1, with higher scores reflecting greater likelihood that the variant is disease-causing. Based on the above evidence this variant has been classified as Likely Pathogenic according to the ACMG guidelines.

NM_024757.5(EHMT1):c.3461+1G>C

Gene: EHMT1 (euchromatic histone lysine methyltransferase 1; plus strand). Cytogenetic location: 9q34.3.
Variant type: single nucleotide variant.
Coding change: c.3461+1G>C on transcript NM_024757.5 (MANE Select); the canonical splice donor site of the intron after coding-DNA position 3461, G replaced by C.
Molecular consequence: splice donor variant.
Genome position (GRCh38, 1-based): chr9:137,817,526, G>C. VCF-style: chr9-137817526-G-C. GRCh37 (hg19) VCF-style: chr9-140711978-G-C.
Other names: c.3440+1G>C (NM_001354263.2).
Identifiers: ClinVar variation 2497669 (VCV002497669.2), dbSNP rs2538750175, ClinGen allele CA375773157.